The following is an entry in ClinVar:

NM_001101677.2(SOHLH1):c.346-1G>A

Gene: SOHLH1 (spermatogenesis and oogenesis specific basic helix-loop-helix 1; minus strand). Cytogenetic location: 9q34.3.
Variant type: single nucleotide variant.
Coding change: c.346-1G>A on transcript NM_001101677.2 (MANE Select); the canonical splice acceptor site of the intron before coding-DNA position 346, G replaced by A.
Molecular consequence: splice acceptor variant.
Genome position (GRCh38, 1-based): chr9:135,697,628, C>T on the plus strand (G>A on the coding strand, the complement: SOHLH1 is on the minus strand). VCF-style: chr9-135697628-C-T. GRCh37 (hg19) VCF-style: chr9-138589474-C-T.
Other names: NC_000009.11:g.138589474C>T; IVS3AS, G-A, -1 (rs140132974); c.346-1G>A (NM_001012415.3).
Identifiers: ClinVar variation 560884 (VCV000560884.11), dbSNP rs140132974, ClinGen allele CA5325969.
Genomic context (GRCh38, chr9:135,697,628, plus strand): 5'-CGTCAACTGTAAAACATCCTCCTGCAACGAGTGCCACATTTCCTTGGAGGAAGCAAGAAT[C>T]TGAAATTTAAGTAAACATGTAAAACAAAGACAGAGACAGTCAGCTGAGAAACCCAAGACA-3'

ClinVar aggregate classification (germline): Conflicting classifications of pathogenicity. Review status: criteria provided, conflicting classifications (1 of 4 stars). 6 submissions from 6 submitters: Likely pathogenic (1); Uncertain significance (2); Benign (1). 2 of the submissions do not count toward it. Last evaluated 2025-01-17.

Conditions:
Ovarian dysgenesis 5. Identifiers: MedGen C4540141, MONDO:0054666, OMIM 617690.
Spermatogenic failure 32. Identifiers: MedGen C4748253, MONDO:0020855, OMIM 618115.
Spermatogenic Failure. Identifiers: MedGen C3553794, MONDO:0004983.

Allele frequency attached by ClinVar (database versions not stated): ESP Exome Variant Server 0.00031; TOPMed 0.00068; gnomAD 0.00173 and 0.00183; 1000 Genomes Project 30x 0.00265; gnomAD exomes 0.00290; 1000 Genomes Project 0.00300; ExAC 0.00329.
gnomAD v4.1: 2,135 of 1,610,880 alleles (0.13%); highest among the groups gnomAD compares: East Asian, 1%; 18 homozygotes.

Submissions (7):

First Genomix Gene Laboratory, Genetic Diagnostics Department
Classification: Likely pathogenic for Ovarian dysgenesis 5. Last evaluated: 2025-01-17. Review status: criteria provided, single submitter. Criteria: ACMG Guidelines, 2015. Collection method: clinical testing. Allele origin: germline. Inheritance: Autosomal recessive inheritance. Affected: no. Observed: 1 variant allele.

Department of Pathology and Laboratory Medicine, Sinai Health System
Classification: Uncertain significance for ovarian dysgenesis 5. Last evaluated: 2023-08-30. Review status: criteria provided, single submitter. Criteria: ACMG Guidelines, 2015. Collection method: research. Allele origin: germline.

Labcorp Genetics (formerly Invitae), Labcorp
Classification: Benign. Last evaluated: 2019-12-31. Review status: criteria provided, single submitter. Criteria: Invitae Variant Classification Sherloc (09022015). Collection method: clinical testing. Allele origin: germline.

Juno Genomics, Hangzhou Juno Genomics, Inc
Classification: Uncertain significance for Ovarian dysgenesis 5. Review status: criteria provided, single submitter. Criteria: ACMG Guidelines, 2015. Collection method: clinical testing. Allele origin: germline. Affected: yes.
Comment: Null variant in a gene where loss of function (LOF) is a known mechanism of disease.;Allele frequency is greater than expected for disorder.

Reproductive Health Research and Development, BGI Genomics
Classification: Pathogenic for Spermatogenic failure. Last evaluated: 2020-01-06. Review status: no assertion criteria provided. Collection method: curation. Allele origin: germline. Not counted in ClinVar's aggregate classification.
Comment: NG_033784.1(NM_001101677.1):c.346-1G>A in the SOHLH1 gene has an allele frequency of 0.015 in European (Finnish) subpopulation in the gnomAD database. 5 homozygous occurrences are observed in the gnomAD database. This variant destroys the canonical splice donor site. It is was predicted to lead to skipping of exon 4 or activation of a cryptic splice acceptor site in exon 4. The c.346-1G>A has been detected in two individuals with non-obstructive azoospermia (PMID: 20506135, 28718531). In the patient reported by Nakamura (PMID: 20506135), c.346-1G>A mutation was not detected in both parents of each probands, indicating a de novo event. We interpret it as Pathogenic/Likely pathogenic. ACMG/AMP criteria applied: PVS1, PS2, PP4, BS1.

OMIM
Classification: Pathogenic for SPERMATOGENIC FAILURE 32. Last evaluated: 2018-09-11. Review status: no assertion criteria provided. Collection method: literature only. Allele origin: germline. Not counted in ClinVar's aggregate classification.

Dr. Peter K. Rogan Lab, Western University
No classification provided (evidence only). Condition: Hepatocellular carcinoma. Review status: no classification provided. Collection method: in vitro. Allele origin: not applicable. Functional consequence: retained intron. Not counted in ClinVar's aggregate classification.

Literature cited by the submitters: PubMed 20506135 (cited by OMIM); PubMed 28718531 (cited by OMIM).